The following is an entry in ClinVar:

ClinVar aggregate classification (germline): Pathogenic (1 of 4 stars; one submission).

Conditions:
Hereditary cancer-predisposing syndrome. Also called: Tumor predisposition; Hereditary Cancer Syndrome; Hereditary neoplastic syndrome; Neoplastic Syndromes, Hereditary. Identifiers: Orphanet 140162, MedGen C0027672, MeSH D009386, MONDO:0015356.

Submission:

Ambry Genetics
Classification: Pathogenic for Hereditary cancer-predisposing syndrome. Last evaluated: 2023-06-27. Review status: criteria provided, single submitter. Criteria: Ambry Variant Classification Scheme 2023. Collection method: clinical testing. Allele origin: germline.
Comment: The p.K1233* pathogenic mutation (also known as c.3697A>T), located in coding exon 8 of the MSH6 gene, results from an A to T substitution at nucleotide position 3697. This changes the amino acid from a lysine to a stop codon within coding exon 8. This variant is considered to be rare based on population cohorts in the Genome Aggregation Database (gnomAD). This alteration is expected to result in loss of function by premature protein truncation or nonsense-mediated mRNA decay. As such, this alteration is interpreted as a disease-causing mutation.

NM_000179.3(MSH6):c.3697A>T (p.Lys1233Ter)

Gene: MSH6 (mutS homolog 6; plus strand). Cytogenetic location: 2p16.3.
Variant type: single nucleotide variant.
Coding change: c.3697A>T on transcript NM_000179.3 (MANE Select); coding-DNA position 3697, A replaced by T.
Protein change: p.Lys1233Ter; replaces lysine 1233 with a stop codon.
Molecular consequence: nonsense. On other transcripts: non-coding transcript variant (5).
Genome position (GRCh38, 1-based): chr2:47,806,254, A>T. VCF-style: chr2-47806254-A-T. GRCh37 (hg19) VCF-style: chr2-48033393-A-T.
Other names: c.3619A>T, p.Lys1207Ter (NM_001406804.1); c.3172A>T, p.Lys1058Ter (NM_001406806.1, NM_001406807.1, NM_001406799.1); c.3697A>T, p.Lys1233Ter (NM_001406808.1, NM_001406809.1, NM_001406796.1 and 1 more transcripts); c.3400A>T, p.Lys1134Ter (NM_001406805.1, NM_001406797.1, NM_001406801.1 and 10 more transcripts); c.3307A>T, p.Lys1103Ter (NM_001281492.2); c.2791A>T, p.Lys931Ter (NM_001281493.2, NM_001281494.2, NM_001406811.1 and 6 more transcripts); c.3793A>T, p.Lys1265Ter (NM_001406795.1, NM_001406802.1); c.3523A>T, p.Lys1175Ter (NM_001406798.1); and 7 more; short protein forms K1233*, K1235*, K1265*, K1103*, K1175*, K548*, K931*, K1134*.
Identifiers: ClinVar variation 2587320 (VCV002587320.2), dbSNP rs1572744617, ClinGen allele CA346760971.